The following is an entry in ClinVar:

ClinVar aggregate classification (germline): Likely pathogenic (1 of 4 stars; one submission).

Conditions:
Nemaline myopathy 2 (NEM2). Also called: Nemaline myopathy 2, autosomal recessive. Identifiers: MedGen C1850569, MONDO:0009725, OMIM 256030.

Submission:

Myriad Genetics, Inc.
Classification: Likely pathogenic for Nemaline myopathy 2. Last evaluated: 2021-12-27. Review status: criteria provided, single submitter. Criteria: Myriad Women's Health Autosomal Recessive and X-Linked Classification Criteria (2021). Collection method: clinical testing. Allele origin: unknown.
Comment: NM_001271208.1(NEB):c.8638C>T(Q2880*) is expected to be pathogenic in the context of NEB-related nemaline myopathy. This variant is predicted to lead to an abnormal or absent protein product due to the creation of a premature termination codon in NEB, a gene where loss-of-function variants are known to be pathogenic. Please note: this variant was assessed in the context of healthy population screening.

NM_001164508.2(NEB):c.8638C>T (p.Gln2880Ter)

Gene: NEB (nebulin; minus strand). Cytogenetic location: 2q23.3.
Variant type: single nucleotide variant.
Coding change: c.8638C>T on transcript NM_001164508.2 (MANE Select); coding-DNA position 8638, C replaced by T.
Protein change: p.Gln2880Ter; replaces glutamine 2880 with a stop codon.
Molecular consequence: nonsense.
Genome position (GRCh38, 1-based): chr2:151,640,402, G>A on the plus strand (C>T on the coding strand, the complement: NEB is on the minus strand). VCF-style: chr2-151640402-G-A. GRCh37 (hg19) VCF-style: chr2-152496916-G-A.
Other names: c.8638C>T, p.Gln2880Ter (NM_001164507.2, NM_001271208.2, NM_004543.5); short protein forms Q2880*.
Identifiers: ClinVar variation 1726553 (VCV001726553.2), dbSNP rs2552243873, ClinGen allele CA348809861.